The following is an entry in ClinVar:

NM_001113378.2(FANCI):c.2883A>G (p.Gln961=)

Gene: FANCI (FA complementation group I; plus strand). Cytogenetic location: 15q26.1.
Variant type: single nucleotide variant.
Coding change: c.2883A>G on transcript NM_001113378.2 (MANE Select); coding-DNA position 2883, A replaced by G.
Protein change: p.Gln961=; no amino-acid change (glutamine 961 retained).
Molecular consequence: synonymous variant.
Genome position (GRCh38, 1-based): chr15:89,300,379, A>G. VCF-style: chr15-89300379-A-G. GRCh37 (hg19) VCF-style: chr15-89843610-A-G.
Other names: c.2604A>G, p.Gln868= (NM_001376910.1); c.2883A>G, p.Gln961= (NM_001376911.1); c.2703A>G, p.Gln901= (NM_018193.3).
Identifiers: ClinVar variation 215484 (VCV000215484.31), dbSNP rs11556721, ClinGen allele CA339331.

ClinVar aggregate classification (germline): Benign/Likely benign. Review status: criteria provided, multiple submitters, no conflicts (2 of 4 stars). 5 submissions from 5 submitters: Benign (4); Likely benign (1). Last evaluated 2026-02-01.

Conditions:
Fanconi anemia (FA). Also called: Fanconi's anemia. Identifiers: Orphanet 84, MedGen C0015625, MeSH D005199, MONDO:0019391.
Fanconi anemia complementation group I (FANCI). Also called: FANCI-Related Fanconi Anemia. Identifiers: Orphanet 84, MedGen C1836861, MONDO:0012186, OMIM 609053.

Allele frequency attached by ClinVar (database versions not stated): gnomAD exomes 0.00030 and 0.00086; ExAC 0.00099; gnomAD 0.00303 and 0.00322; 1000 Genomes Project 0.00339; TOPMed 0.00339; 1000 Genomes Project 30x 0.00390; ESP Exome Variant Server 0.00446.
gnomAD v4.1: 906 of 1,613,788 alleles (0.056%); highest among the groups gnomAD compares: African/African-American, 1.1%; 8 homozygotes.

Submissions (5):

Labcorp Genetics (formerly Invitae), Labcorp
Classification: Benign for Fanconi anemia. Last evaluated: 2026-02-01. Review status: criteria provided, single submitter. Criteria: Invitae Variant Classification Sherloc (09022015). Collection method: clinical testing. Allele origin: germline.

Blueprint Genetics
Classification: Likely benign. Last evaluated: 2024-09-12. Review status: criteria provided, single submitter. Criteria: ACMG Guidelines, 2015. Collection method: clinical testing. Allele origin: germline.

CeGaT Center for Human Genetics Tuebingen
Classification: Benign. Last evaluated: 2024-07-01. Review status: criteria provided, single submitter. Criteria: CeGaT Center For Human Genetics Tuebingen Variant Classification Criteria Version 2. Collection method: clinical testing. Allele origin: germline. Affected: yes. Observed: 1 variant allele.
Comment: FANCI: BP4, BP7, BS1, BS2

KCCC/NGS Laboratory, Kuwait Cancer Control Center
Classification: Benign for Fanconi anemia complementation group I. Last evaluated: 2023-07-07. Review status: criteria provided, single submitter. Criteria: ACMG Guidelines, 2015. Collection method: clinical testing. Allele origin: germline. Affected: yes.

Breakthrough Genomics
Classification: Benign. Review status: criteria provided, single submitter. Criteria: ACMG Guidelines, 2015. Collection method: not provided. Allele origin: germline. Inheritance: Autosomal recessive inheritance. Affected: yes.